The following is an entry in ClinVar:

ClinVar aggregate classification (germline): Uncertain significance. Review status: criteria provided, multiple submitters, no conflicts (2 of 4 stars). 2 submissions from 2 submitters: Uncertain significance (2). Last evaluated 2022-04-10.

Conditions:
Hyperphosphatasia with impaired intellectual development syndrome 2. Also called: GLYCOSYLPHOSPHATIDYLINOSITOL BIOSYNTHESIS DEFECT 6; Hyperphosphatasia with intellectual disability syndrome 2. Identifiers: Orphanet 247262, MedGen C3553637, MONDO:0013882, OMIM 614749.

gnomAD v4.1: 10 of 1,612,048 alleles (0.00062%); highest among the groups gnomAD compares: Non-Finnish European, 0.00085%; no homozygotes.

Submissions (2):

Labcorp Genetics (formerly Invitae), Labcorp
Classification: Uncertain significance for Hyperphosphatasia with impaired intellectual development syndrome 2. Last evaluated: 2022-04-10. Review status: criteria provided, single submitter. Criteria: Invitae Variant Classification Sherloc (09022015). Collection method: clinical testing. Allele origin: germline.
Comment: ClinVar contains an entry for this variant (Variation ID: 392817). In summary, the available evidence is currently insufficient to determine the role of this variant in disease. Therefore, it has been classified as a Variant of Uncertain Significance. Algorithms developed to predict the effect of missense changes on protein structure and function output the following: SIFT: "Tolerated"; PolyPhen-2: "Benign"; Align-GVGD: "Class C0". The valine amino acid residue is found in multiple mammalian species, which suggests that this missense change does not adversely affect protein function. This variant has not been reported in the literature in individuals affected with PIGO-related conditions. This variant is not present in population databases (gnomAD no frequency). This sequence change replaces alanine, which is neutral and non-polar, with valine, which is neutral and non-polar, at codon 722 of the PIGO protein (p.Ala722Val).

GeneDx
Classification: Uncertain significance. Last evaluated: 2019-06-26. Review status: criteria provided, single submitter. Criteria: GeneDx Variant Classification Process June 2021. Collection method: clinical testing. Allele origin: germline. Affected: yes.
Comment: Not observed in large population cohorts (Lek et al., 2016); In silico analysis, which includes protein predictors and evolutionary conservation, supports that this variant does not alter protein structure/function

NM_032634.4(PIGO):c.2165C>T (p.Ala722Val)

Gene: PIGO (phosphatidylinositol glycan anchor biosynthesis class O; minus strand). Cytogenetic location: 9p13.3.
Variant type: single nucleotide variant.
Coding change: c.2165C>T on transcript NM_032634.4 (MANE Select); coding-DNA position 2165, C replaced by T.
Protein change: p.Ala722Val; replaces alanine 722 with valine.
Molecular consequence: missense variant. On other transcripts: intron variant (2).
Genome position (GRCh38, 1-based): chr9:35,091,722, G>A on the plus strand (C>T on the coding strand, the complement: PIGO is on the minus strand). VCF-style: chr9-35091722-G-A. GRCh37 (hg19) VCF-style: chr9-35091719-G-A.
Other names: c.1345-431C>T (NM_152850.4, NM_001201484.2); short protein forms A722V.
Identifiers: ClinVar variation 392817 (VCV000392817.7), dbSNP rs895003968, ClinGen allele CA16605699.